The following is an entry in ClinVar:

NM_020166.5(MCCC1):c.639+2T>A

Gene: MCCC1 (methylcrotonyl-CoA carboxylase subunit 1; minus strand). Cytogenetic location: 3q27.1.
Variant type: single nucleotide variant.
Coding change: c.639+2T>A on transcript NM_020166.5 (MANE Select); the canonical splice donor site of the intron after coding-DNA position 639, T replaced by A.
Molecular consequence: splice donor variant.
Genome position (GRCh38, 1-based): chr3:183,071,208, A>T on the plus strand (T>A on the coding strand, the complement: MCCC1 is on the minus strand). VCF-style: chr3-183071208-A-T. GRCh37 (hg19) VCF-style: chr3-182788996-A-T.
Other names: c.312+2T>A (NM_001363880.1); c.288+2T>A (NM_001293273.2).
Identifiers: ClinVar variation 476398 (VCV000476398.22), dbSNP rs199914879, ClinGen allele CA2719025.
Genomic context (GRCh38, chr3:183,071,208, plus strand): 5'-CAACATAAATAAAACAAAGAAGACAAGCCTGAATTGGCAAACACAAGCATGCACAATCTT[A>T]CTTTTCCTCCTCCACCCCGGACGGCTTTAATCATGACAGGATAGCCAATTCTCCTGGCGT-3'

ClinVar aggregate classification (germline): Pathogenic. Review status: criteria provided, multiple submitters, no conflicts (2 of 4 stars). 6 submissions from 6 submitters: Pathogenic (6). Last evaluated 2025-07-21.

Conditions:
3-methylcrotonyl-CoA carboxylase 1 deficiency (MCC1D). Also called: MCCD TYPE 1; METHYLCROTONYLGLYCINURIA TYPE I; MCC 1 deficiency; 3 Alpha methylcrotonylglycinuria 1. Identifiers: Orphanet 6, MedGen CN028786, MONDO:0008861, OMIM 210200.

Allele frequency attached by ClinVar (database versions not stated): gnomAD exomes below 0.00001 and 0.00001; ExAC 0.00001; gnomAD 0.00001 and 0.00002; TOPMed 0.00002; 1000 Genomes Project 30x 0.00016; 1000 Genomes Project 0.00020.
gnomAD v4.1: 4 of 1,614,168 alleles (0.00025%); highest among the groups gnomAD compares: East Asian, 0.0089%; no homozygotes.

Submissions (6):

Natera, Inc.
Classification: Pathogenic for 3-methylcrotonyl-CoA carboxylase 1 deficiency. Last evaluated: 2025-07-21. Review status: criteria provided, single submitter. Criteria: Natera Variant Classification Schema (03/2026). Collection method: clinical testing. Allele origin: germline.
Comment: The c.639+2T>A variant in MCCC1 is a canonical splice donor site variant predicted to affect pre-mRNA splicing, which may result in an abnormal transcript and altered protein product. This variant is expected to result in nonsense mediated decay, truncation, or a dysfunctional protein product. This variant is rare in the general population with a frequency below the threshold expected for the associated phenotype(s). This variant has been observed in one or more individuals affected with the associated recessive disease, as either homozygous or compound heterozygous with a second variant (PMID: 22642865). Functional studies show that this variant may disrupt protein function (PMID: 25382614). Given the available evidence, this variant is classified as Pathogenic.

3billion
Classification: Pathogenic for 3-methylcrotonyl-CoA carboxylase 1 deficiency. Last evaluated: 2025-01-16. Review status: criteria provided, single submitter. Criteria: ACMG Guidelines, 2015. Collection method: clinical testing. Allele origin: germline. Affected: yes.
Comment: The variant is observed at an extremely low frequency in the gnomAD v4.1.0 dataset (total allele frequency: <0.001%). Predicted Consequence/Location: Canonical splice site: predicted to alter splicing and result in a loss or disruption of normal protein function. Multiple pathogenic loss-of-function variants are reported downstream of the variant. In silico tools predict the variant to alter splicing and produce an abnormal transcript [SpliceAI: 0.98 (spliceogenicity >=0.2, non-spliceogenicity <0.1)]. The variant has been reported at least twice as pathogenic with clinical assertions and evidence for the classification (ClinVar ID: VCV000476398 /PMID: 22642865). Therefore, this variant is classified as Pathogenic according to the recommendation of ACMG/AMP guideline.

Labcorp Genetics (formerly Invitae), Labcorp
Classification: Pathogenic for 3-methylcrotonyl-CoA carboxylase 1 deficiency. Last evaluated: 2024-12-23. Review status: criteria provided, single submitter. Criteria: Invitae Variant Classification Sherloc (09022015). Collection method: clinical testing. Allele origin: germline.
Comment: This sequence change affects a donor splice site in intron 6 of the MCCC1 gene. It is expected to disrupt RNA splicing. Variants that disrupt the donor or acceptor splice site typically lead to a loss of protein function (PMID: 16199547), and loss-of-function variants in MCCC1 are known to be pathogenic (PMID: 11181649, 15359379, 22642865). This variant is present in population databases (rs199914879, gnomAD 0.02%). Disruption of this splice site has been observed in individuals with MCC deficiency (PMID: 22642865). ClinVar contains an entry for this variant (Variation ID: 476398). Algorithms developed to predict the effect of sequence changes on RNA splicing suggest that this variant may disrupt the consensus splice site. For these reasons, this variant has been classified as Pathogenic.

Baylor Genetics
Classification: Pathogenic for 3-methylcrotonyl-CoA carboxylase 1 deficiency. Last evaluated: 2024-02-24. Review status: criteria provided, single submitter. Criteria: ACMG Guidelines, 2015. Collection method: clinical testing. Allele origin: unknown.

Beijing Key Laboratry for Genetics of Birth Defects, Beijing Children's Hospital
Classification: Pathogenic for 3-methylcrotonyl-CoA carboxylase 1 deficiency. Last evaluated: 2020-02-28. Review status: criteria provided, single submitter. Criteria: ACMG Guidelines, 2015. Collection method: clinical testing. Allele origin: germline. Affected: yes. Observed: 1 variant allele.

Juno Genomics, Hangzhou Juno Genomics, Inc
Classification: Pathogenic for 3-methylcrotonyl-CoA carboxylase 1 deficiency. Review status: criteria provided, single submitter. Criteria: ACMG Guidelines, 2015. Collection method: clinical testing. Allele origin: germline.
Comment: Absent from controls (or at extremely low frequency if recessive) in Genome Aggregation Database.;Null variant in a gene where loss of function (LOF) is a known mechanism of disease.;For recessive disorders, detected in trans with a pathogenic variant.

Literature cited by the submitters: PubMed 22642865 (cited by 3 submitters); PubMed 25382614 (cited by Natera, Inc.); PubMed 16199547 (cited by Labcorp Genetics (formerly Invitae), Labcorp); PubMed 11181649 (cited by Labcorp Genetics (formerly Invitae), Labcorp); PubMed 15359379 (cited by Labcorp Genetics (formerly Invitae), Labcorp).